The following is an entry in ClinVar:

NM_000302.4(PLOD1):c.1210A>G (p.Ile404Val)

Gene: PLOD1 (procollagen-lysine,2-oxoglutarate 5-dioxygenase 1; plus strand). Cytogenetic location: 1p36.22.
Variant type: single nucleotide variant.
Coding change: c.1210A>G on transcript NM_000302.4 (MANE Select); coding-DNA position 1210, A replaced by G.
Protein change: p.Ile404Val; replaces isoleucine 404 with valine.
Molecular consequence: missense variant.
Genome position (GRCh38, 1-based): chr1:11,964,182, A>G. VCF-style: chr1-11964182-A-G. GRCh37 (hg19) VCF-style: chr1-12024239-A-G.
Other names: c.1351A>G, p.Ile451Val (NM_001316320.2); short protein forms I404V, I451V.
Identifiers: ClinVar variation 3307800 (VCV003307800.1).

ClinVar aggregate classification (germline): Uncertain significance (1 of 4 stars; one submission).

Conditions:
Familial thoracic aortic aneurysm and aortic dissection (TAAD). Also called: Thoracic aortic aneurysms and dissections. Identifiers: Orphanet 91387, MedGen C4707243, MONDO:0019625.

Submission:

Ambry Genetics
Classification: Uncertain significance for Familial thoracic aortic aneurysm and aortic dissection. Last evaluated: 2024-03-19. Review status: criteria provided, single submitter. Criteria: Ambry Variant Classification Scheme 2023. Collection method: clinical testing. Allele origin: germline.
Comment: The p.I404V variant (also known as c.1210A>G), located in coding exon 12 of the PLOD1 gene, results from an A to G substitution at nucleotide position 1210. The isoleucine at codon 404 is replaced by valine, an amino acid with highly similar properties. This amino acid position is conserved. In addition, this alteration is predicted to be tolerated by in silico analysis. Based on the available evidence, the clinical significance of this alteration remains unclear.